The following is an entry in ClinVar:

NM_018136.5(ASPM):c.7098G>T (p.Gln2366His)

Gene: ASPM (assembly factor for spindle microtubules; minus strand). Cytogenetic location: 1q31.3.
Variant type: single nucleotide variant.
Coding change: c.7098G>T on transcript NM_018136.5 (MANE Select); coding-DNA position 7098, G replaced by T.
Protein change: p.Gln2366His; replaces glutamine 2366 with histidine.
Molecular consequence: missense variant. On other transcripts: intron variant (1).
Genome position (GRCh38, 1-based): chr1:197,102,153, C>A on the plus strand (G>T on the coding strand, the complement: ASPM is on the minus strand). VCF-style: chr1-197102153-C-A. GRCh37 (hg19) VCF-style: chr1-197071283-C-A.
Other names: c.4066-5989G>T (NM_001206846.2); short protein forms Q2366H.
Identifiers: ClinVar variation 1519393 (VCV001519393.6), dbSNP rs2125094602, ClinGen allele CA344020253.

ClinVar aggregate classification (germline): Uncertain significance (1 of 4 stars; one submission).

Submission:

Labcorp Genetics (formerly Invitae), Labcorp
Classification: Uncertain significance. Last evaluated: 2024-10-22. Review status: criteria provided, single submitter. Criteria: Invitae Variant Classification Sherloc (09022015). Collection method: clinical testing. Allele origin: germline.
Comment: This sequence change replaces glutamine, which is neutral and polar, with histidine, which is basic and polar, at codon 2366 of the ASPM protein (p.Gln2366His). This variant is not present in population databases (gnomAD no frequency). This variant has not been reported in the literature in individuals affected with ASPM-related conditions. ClinVar contains an entry for this variant (Variation ID: 1519393). Invitae Evidence Modeling of protein sequence and biophysical properties (such as structural, functional, and spatial information, amino acid conservation, physicochemical variation, residue mobility, and thermodynamic stability) indicates that this missense variant is not expected to disrupt ASPM protein function with a negative predictive value of 80%. In summary, the available evidence is currently insufficient to determine the role of this variant in disease. Therefore, it has been classified as a Variant of Uncertain Significance.